The following is an entry in ClinVar:

NC_000009.12:g.35657858G>A

Gene: RMRP (RNA component of mitochondrial RNA processing endoribonuclease; minus strand). Cytogenetic location: 9p13.3.
Variant type: single nucleotide variant.
Genome position: GRCh38 VCF-style: chr9-35657858-G-A. GRCh37 (hg19) VCF-style: chr9-35657855-G-A.
Identifiers: ClinVar variation 1356166 (VCV001356166.4), dbSNP rs751373603, ClinGen allele CA5045829.
Genomic context (GRCh38, chr9:35,657,858, plus strand): 5'-ACTGCCTGCGTAACTAGAGGGAGCTGACGGATGACGCCCCCGCGCCACGCCGCTCAGCGG[G>A]ATACGCTTCTTGGCGGACTTTGGAGTGGGAAGCGGGGAATGTCTACGTGCGTATGCACGT-3'

ClinVar aggregate classification (germline): Uncertain significance (1 of 4 stars; one submission).

Conditions:
Anauxetic dysplasia. Identifiers: Orphanet 93347, MedGen C1846796, MONDO:0011773.

Allele frequency attached by ClinVar (database versions not stated): ExAC 0.00009.
gnomAD v4.1: 8 of 700,472 alleles (0.0011%); highest among the groups gnomAD compares: South Asian, 0.0044%; no homozygotes.

Submission:

Labcorp Genetics (formerly Invitae), Labcorp
Classification: Uncertain significance for Anauxetic dysplasia. Last evaluated: 2025-04-13. Review status: criteria provided, single submitter. Criteria: Invitae Variant Classification Sherloc (09022015). Collection method: clinical testing. Allele origin: germline.
Comment: This variant occurs in the RMRP gene, which encodes an RNA molecule that does not result in a protein product. This variant is present in population databases (rs751373603, gnomAD 0.004%). This variant has not been reported in the literature in individuals affected with RMRP-related conditions. ClinVar contains an entry for this variant (Variation ID: 1356166). Experimental studies and prediction algorithms are not available or were not evaluated, and the functional significance of this variant is currently unknown. In summary, the available evidence is currently insufficient to determine the role of this variant in disease. Therefore, it has been classified as a Variant of Uncertain Significance.